The following is an entry in ClinVar:

ClinVar aggregate classification (germline): Uncertain significance (1 of 4 stars; one submission).

Submission:

Labcorp Genetics (formerly Invitae), Labcorp
Classification: Uncertain significance. Last evaluated: 2025-01-13. Review status: criteria provided, single submitter. Criteria: Invitae Variant Classification Sherloc (09022015). Collection method: clinical testing. Allele origin: germline.
Comment: This sequence change replaces methionine, which is neutral and non-polar, with leucine, which is neutral and non-polar, at codon 1116 of the CDAN1 protein (p.Met1116Leu). This variant is not present in population databases (gnomAD no frequency). This variant has not been reported in the literature in individuals affected with CDAN1-related conditions. ClinVar contains an entry for this variant (Variation ID: 2003972). An algorithm developed to predict the effect of missense changes on protein structure and function outputs the following: PolyPhen-2: "Benign". The leucine amino acid residue is found in multiple mammalian species, which suggests that this missense change does not adversely affect protein function. In summary, the available evidence is currently insufficient to determine the role of this variant in disease. Therefore, it has been classified as a Variant of Uncertain Significance.

NM_138477.4(CDAN1):c.3346A>C (p.Met1116Leu)

Gene: CDAN1 (codanin 1; minus strand). Cytogenetic location: 15q15.2.
Variant type: single nucleotide variant.
Coding change: c.3346A>C on transcript NM_138477.4 (MANE Select); coding-DNA position 3346, A replaced by C.
Protein change: p.Met1116Leu; replaces methionine 1116 with leucine.
Molecular consequence: missense variant.
Genome position (GRCh38, 1-based): chr15:42,725,593, T>G on the plus strand (A>C on the coding strand, the complement: CDAN1 is on the minus strand). VCF-style: chr15-42725593-T-G. GRCh37 (hg19) VCF-style: chr15-43017791-T-G.
Other names: short protein forms M1116L.
Identifiers: ClinVar variation 2003972 (VCV002003972.4), dbSNP rs778421599, ClinGen allele CA392027860.
Genomic context (GRCh38, chr15:42,725,593, plus strand): 5'-TCAGCAGCAGCTGCAGCGGAACCGGCCCCTGAAAGTCTTCCTTCCACAAGGAAAGCAGCA[T>G]GTGCAGAAGCCTTCGAGCCTGCCCTCTCTCCAGCCTGTACTGTGCCGGGGGCCCTAGGAT-3'
Protein context (NP_612486.2, residues 1106-1126): ERGQARRLLH[Met1116Leu]LLSLWKEDFQ